The following is an entry in ClinVar:

ClinVar aggregate classification (germline): Likely benign (1 of 4 stars; one submission).

gnomAD v4.1: 80 of 1,614,078 alleles (0.005%); highest among the groups gnomAD compares: Admixed American, 0.012%; no homozygotes.

Submission:

CeGaT Center for Human Genetics Tuebingen
Classification: Likely benign. Last evaluated: 2026-08-01. Review status: criteria provided, single submitter. Criteria: CeGaT Center For Human Genetics Tuebingen Variant Classification Criteria Version 2. Collection method: clinical testing. Allele origin: germline. Affected: yes. Observed: 1 variant allele.
Comment: INPP5K: BP4, BP7

NM_016532.4(INPP5K):c.867G>A (p.Pro289=)

Gene: INPP5K (inositol polyphosphate-5-phosphatase K; minus strand). Cytogenetic location: 17p13.3.
Variant type: single nucleotide variant.
Coding change: c.867G>A on transcript NM_016532.4 (MANE Select); coding-DNA position 867, G replaced by A.
Protein change: p.Pro289=; no amino-acid change (proline 289 retained).
Molecular consequence: synonymous variant.
Genome position (GRCh38, 1-based): chr17:1,498,032, C>T on the plus strand (G>A on the coding strand, the complement: INPP5K is on the minus strand). VCF-style: chr17-1498032-C-T. GRCh37 (hg19) VCF-style: chr17-1401326-C-T.
Other names: c.639G>A, p.Pro213= (NM_001135642.2, NM_130766.3).
Identifiers: ClinVar variation 5039054 (VCV005039054.1).